The following is an entry in ClinVar:

NM_000051.4(ATM):c.1249A>G (p.Thr417Ala)

Gene: ATM (ATM serine/threonine kinase; plus strand). Cytogenetic location: 11q22.3.
Variant type: single nucleotide variant.
Coding change: c.1249A>G on transcript NM_000051.4 (MANE Select); coding-DNA position 1249, A replaced by G.
Protein change: p.Thr417Ala; replaces threonine 417 with alanine.
Molecular consequence: missense variant.
Genome position (GRCh38, 1-based): chr11:108,250,714, A>G. VCF-style: chr11-108250714-A-G. GRCh37 (hg19) VCF-style: chr11-108121441-A-G.
Other names: c.1249A>G, p.Thr417Ala (NM_001351834.2); short protein forms T417A.
Identifiers: ClinVar variation 216191 (VCV000216191.22), dbSNP rs863224556, ClinGen allele CA339577.

ClinVar aggregate classification (germline): Uncertain significance. Review status: criteria provided, multiple submitters, no conflicts (2 of 4 stars). 6 submissions from 6 submitters: Uncertain significance (5). 1 of the submissions does not count toward it. Last evaluated 2025-07-12.

Conditions:
ATM-related disorder. Also called: ATM-related disorders; ATM-related condition.
Hereditary cancer-predisposing syndrome. Also called: Tumor predisposition; Hereditary Cancer Syndrome; Neoplastic Syndromes, Hereditary; Hereditary neoplastic syndrome. Identifiers: Orphanet 140162, MedGen C0027672, MeSH D009386, MONDO:0015356.
Ataxia-telangiectasia syndrome (AT). Also called: Cerebello-oculocutaneous telangiectasia; Immunodeficiency with ataxia telangiectasia; Ataxia telangiectasia (A-T); LOUIS-BAR SYNDROME; ATAXIA-TELANGIECTASIA, COMPLEMENTATION GROUP A; ATAXIA-TELANGIECTASIA, FRESNO VARIANT. Identifiers: Orphanet 100, MedGen C0004135, MONDO:0008840, OMIM 208900.

Allele frequency attached by ClinVar (database versions not stated): gnomAD exomes below 0.00001; TOPMed 0.00001.
gnomAD v4.1: 1 of 1,605,088 alleles (0.000062%); highest among the groups gnomAD compares: African/African-American, 0.0013%; no homozygotes.

Submissions (6):

Ambry Genetics
Classification: Uncertain significance for Hereditary cancer-predisposing syndrome. Last evaluated: 2025-07-12. Review status: criteria provided, single submitter. Criteria: Ambry Variant Classification Scheme 2023. Collection method: clinical testing. Allele origin: germline.
Comment: The p.T417A variant (also known as c.1249A>G), located in coding exon 9 of the ATM gene, results from an A to G substitution at nucleotide position 1249. The threonine at codon 417 is replaced by alanine, an amino acid with similar properties. This amino acid position is not well conserved in available vertebrate species. In addition, this alteration is predicted to be tolerated by in silico analysis. Since supporting evidence is limited at this time, the clinical significance of this alteration remains unclear.

Labcorp Genetics (formerly Invitae), Labcorp
Classification: Uncertain significance for Ataxia-telangiectasia syndrome. Last evaluated: 2024-10-06. Review status: criteria provided, single submitter. Criteria: Invitae Variant Classification Sherloc (09022015). Collection method: clinical testing. Allele origin: germline.
Comment: This sequence change replaces threonine, which is neutral and polar, with alanine, which is neutral and non-polar, at codon 417 of the ATM protein (p.Thr417Ala). This variant is not present in population databases (gnomAD no frequency). This variant has not been reported in the literature in individuals affected with ATM-related conditions. ClinVar contains an entry for this variant (Variation ID: 216191). Invitae Evidence Modeling of protein sequence and biophysical properties (such as structural, functional, and spatial information, amino acid conservation, physicochemical variation, residue mobility, and thermodynamic stability) indicates that this missense variant is not expected to disrupt ATM protein function with a negative predictive value of 95%. In summary, the available evidence is currently insufficient to determine the role of this variant in disease. Therefore, it has been classified as a Variant of Uncertain Significance.

GeneDx
Classification: Uncertain significance. Last evaluated: 2023-09-05. Review status: criteria provided, single submitter. Criteria: GeneDx Variant Classification Process June 2021. Collection method: clinical testing. Allele origin: germline. Affected: yes.
Comment: Not observed in large population cohorts (gnomAD); In silico analysis supports that this missense variant does not alter protein structure/function; Has not been previously published as pathogenic or benign to our knowledge

Color Diagnostics, LLC DBA Color Health
Classification: Uncertain significance for Hereditary cancer-predisposing syndrome. Last evaluated: 2023-01-23. Review status: criteria provided, single submitter. Criteria: ACMG Guidelines, 2015. Collection method: clinical testing. Allele origin: germline.
Comment: This missense variant replaces threonine with alanine at codon 417 of the ATM protein. Computational prediction suggests that this variant may not impact protein structure and function (internally defined REVEL score threshold <= 0.5, PMID: 27666373). To our knowledge, functional studies have not been reported for this variant. This variant has not been reported in individuals affected with hereditary cancer in the literature. This variant has not been identified in the general population by the Genome Aggregation Database (gnomAD). The available evidence is insufficient to determine the role of this variant in disease conclusively. Therefore, this variant is classified as a Variant of Uncertain Significance.

Women's Health and Genetics/Laboratory Corporation of America, LabCorp
Classification: Uncertain significance. Last evaluated: 2017-12-26. Review status: criteria provided, single submitter. Criteria: LabCorp Variant Classification Summary - May 2015. Collection method: clinical testing. Allele origin: germline.
Comment: Variant summary: The ATM c.1249A>G (p.Thr417Ala) variant involves the alteration of a non-conserved nucleotide and is predicted to be benign by 2/3 in silico tools (SNPsandGO and Mutation taster not captured due to low reliability index). This variant is absent in 271418 control chromosomes (gnomAD). Multiple clinical diagnostic laboratories/reputable databases have classified this variant as uncertain significance. The variant of interest has not, to our knowledge, been reported in affected individuals via publications; nor evaluated for functional impact by in vivo/vitro studies. Because of the absence of clinical information and the lack of functional studies, the variant is classified as a variant of uncertain significance (VUS) until additional information becomes available.

PreventionGenetics, part of Exact Sciences
Classification: Uncertain significance for ATM-related condition. Last evaluated: 2024-06-04. Review status: no assertion criteria provided. Collection method: clinical testing. Allele origin: germline. Not counted in ClinVar's aggregate classification.
Comment: The ATM c.1249A>G variant is predicted to result in the amino acid substitution p.Thr417Ala. To our knowledge, this variant has not been reported in the literature or in a large population database, indicating this variant is rare. This variant is interpreted as a variant of uncertain significance in ClinVar. At this time, the clinical significance of this variant is uncertain due to the absence of conclusive functional and genetic evidence.